The following is an entry in ClinVar:

ClinVar aggregate classification (germline): Pathogenic. Review status: criteria provided, multiple submitters, no conflicts (2 of 4 stars). 2 submissions from 2 submitters: Pathogenic (2). Last evaluated 2024-04-18.

Conditions:
Parathyroid carcinoma (PRTC). Also called: CDC73-Related Parathyroid Carcinoma; Parathyroid gland carcinoma. Identifiers: Orphanet 143, MedGen C0687150, MONDO:0012004, OMIM 608266, HP:0006780.
Hereditary cancer-predisposing syndrome. Also called: Neoplastic Syndromes, Hereditary; Tumor predisposition; Hereditary Cancer Syndrome; Hereditary neoplastic syndrome. Identifiers: Orphanet 140162, MedGen C0027672, MeSH D009386, MONDO:0015356.

Submissions (2):

Labcorp Genetics (formerly Invitae), Labcorp
Classification: Pathogenic for Parathyroid carcinoma. Last evaluated: 2024-04-18. Review status: criteria provided, single submitter. Criteria: Invitae Variant Classification Sherloc (09022015). Collection method: clinical testing. Allele origin: germline.
Comment: This sequence change affects a donor splice site in intron 2 of the CDC73 gene. It is expected to disrupt RNA splicing. Variants that disrupt the donor or acceptor splice site typically lead to a loss of protein function (PMID: 16199547), and loss-of-function variants in CDC73 are known to be pathogenic (PMID: 12434154). This variant is not present in population databases (gnomAD no frequency). Disruption of this splice site has been observed in individual(s) with primary hyperparathyroidism (PMID: 14985403). It has also been observed to segregate with disease in related individuals. ClinVar contains an entry for this variant (Variation ID: 821167). Studies have shown that disruption of this splice site alters mRNA splicing and is expected to lead to the loss of protein expression (PMID: 19332451). For these reasons, this variant has been classified as Pathogenic.

Ambry Genetics
Classification: Pathogenic for Hereditary cancer-predisposing syndrome. Last evaluated: 2019-12-05. Review status: criteria provided, single submitter. Criteria: Ambry Variant Classification Scheme 2023. Collection method: clinical testing. Allele origin: germline.
Comment: The c.237+1G>A intronic pathogenic mutation results from a G to A substitution one nucleotide after coding exon 2 of the CDC73 gene. A different substitution at the same nucleotide position, designated as IVS2+1G>C, was identified in several family members affected with primary hyperparathyroidism (Villablanca A et al. J. Med. Genet., 2004 Mar;41:e32). Additionally, functional analyses via minigene assay demonstrated that IVS2+1G>C causes aberrant splicing leading to either exon 2 skipping or retention of four nucleotides at the 5' end of intron 2; both aberrant splicing events were predicted to lead to premature truncation of parafibromin (Hahn MA et al. J. Endocrinol., 2009 Jun;201:387-96). In addition to the clinical data presented in the literature, alterations that disrupt the canonical splice site are expected to cause aberrant splicing, resulting in an abnormal protein or a transcript that is subject to nonsense-mediated mRNA decay. As such, this alteration is classified as a disease-causing mutation.

Literature cited by the submitters: PubMed 16199547 (cited by Labcorp Genetics (formerly Invitae), Labcorp); PubMed 12434154 (cited by Labcorp Genetics (formerly Invitae), Labcorp); PubMed 14985403 (cited by Labcorp Genetics (formerly Invitae), Labcorp and Ambry Genetics); PubMed 19332451 (cited by Labcorp Genetics (formerly Invitae), Labcorp and Ambry Genetics).

NM_024529.5(CDC73):c.237+1G>A

Gene: CDC73 (cell division cycle 73; plus strand). Cytogenetic location: 1q31.2.
Variant type: single nucleotide variant.
Coding change: c.237+1G>A on transcript NM_024529.5 (MANE Select); the canonical splice donor site of the intron after coding-DNA position 237, G replaced by A.
Molecular consequence: splice donor variant.
Genome position (GRCh38, 1-based): chr1:193,125,218, G>A. VCF-style: chr1-193125218-G-A. GRCh37 (hg19) VCF-style: chr1-193094348-G-A.
Identifiers: ClinVar variation 821167 (VCV000821167.7), dbSNP rs794727303, ClinGen allele CA343973259.
Genomic context (GRCh38, chr1:193,125,218, plus strand): 5'-ATTTTATTTCTACTTAATAACGTGCACCTTTCTCATCCTGTTTATGTCCGACGTGCAGCT[G>A]TAAGTAGAATTCATTTTACTTATCTATCTATTTATCAGTTTTATTTTTATTTATTTAAGA-3'